The following is an entry in ClinVar:

NM_001165963.4(SCN1A):c.5704T>C (p.Ser1902Pro)

Genes: SCN1A (sodium voltage-gated channel alpha subunit 1; minus strand), LOC102724058 (uncharacterized LOC102724058; plus strand). Cytogenetic location: 2q24.3.
Variant type: single nucleotide variant.
Coding change: c.5704T>C on transcript NM_001165963.4 (MANE Select); coding-DNA position 5704, T replaced by C.
Protein change: p.Ser1902Pro; replaces serine 1902 with proline.
Molecular consequence: missense variant. On other transcripts: non-coding transcript variant (1).
Genome position (GRCh38, 1-based): chr2:165,991,571, A>G on the plus strand (T>C on the coding strand, the complement: SCN1A is on the minus strand). VCF-style: chr2-165991571-A-G. GRCh37 (hg19) VCF-style: chr2-166848081-A-G.
Other names: c.3262T>C, p.Ser1088Pro (NM_001353961.2); c.5671T>C, p.Ser1891Pro (NM_006920.6, NM_001353949.2, NM_001353950.2 and 2 more transcripts); c.5620T>C, p.Ser1874Pro (NM_001165964.3, NM_001353957.2, NM_001353958.2); c.5704T>C, p.Ser1902Pro (NM_001202435.3, NM_001353948.2); c.5668T>C, p.Ser1890Pro (NM_001353954.2, NM_001353955.2); c.5617T>C, p.Ser1873Pro (NM_001353960.2); short protein forms S1873P, S1874P, S1891P, S1902P, S1890P, S1088P.
Identifiers: ClinVar variation 2896243 (VCV002896243.3), dbSNP rs371741320, ClinGen allele CA1942652.

ClinVar aggregate classification (germline): Uncertain significance (1 of 4 stars; one submission).

Conditions:
Early-infantile DEE. Also called: Ohtahara syndrome; Early infantile epileptic encephalopathy with suppression bursts; Early infantile epileptic encephalopathy. Identifiers: Orphanet 1934, MedGen C0393706, MONDO:0800491.

Allele frequency attached by ClinVar (database versions not stated): ESP Exome Variant Server 0.00008; ExAC 0.00001; gnomAD exomes below 0.00001.
gnomAD v4.1: 3 of 1,613,948 alleles (0.00019%); highest among the groups gnomAD compares: Non-Finnish European, 0.00017%; no homozygotes.

Submission:

Labcorp Genetics (formerly Invitae), Labcorp
Classification: Uncertain significance for Early-infantile DEE. Last evaluated: 2023-12-30. Review status: criteria provided, single submitter. Criteria: Invitae Variant Classification Sherloc (09022015). Collection method: clinical testing. Allele origin: germline.
Comment: This sequence change replaces serine, which is neutral and polar, with proline, which is neutral and non-polar, at codon 1902 of the SCN1A protein (p.Ser1902Pro). This variant is present in population databases (rs371741320, gnomAD 0.002%). This variant has not been reported in the literature in individuals affected with SCN1A-related conditions. Advanced modeling of protein sequence and biophysical properties (such as structural, functional, and spatial information, amino acid conservation, physicochemical variation, residue mobility, and thermodynamic stability) performed at Invitae indicates that this missense variant is expected to disrupt SCN1A protein function with a positive predictive value of 95%. In summary, the available evidence is currently insufficient to determine the role of this variant in disease. Therefore, it has been classified as a Variant of Uncertain Significance.